The following is an entry in ClinVar:

ClinVar aggregate classification (germline): Pathogenic. Review status: criteria provided, multiple submitters, no conflicts (2 of 4 stars). 3 submissions from 3 submitters: Pathogenic (2). 1 of the submissions does not count toward it. Last evaluated 2025-04-17.

Conditions:
Tuberous sclerosis syndrome (TSC). Also called: Tuberous Sclerosis Complex; Tuberous sclerosis. Identifiers: Orphanet 805, MedGen C0041341, MONDO:0001734.
Tuberous sclerosis 2 (TSC2). Identifiers: Orphanet 805, MedGen C1860707, MONDO:0013199, OMIM 613254.

Submissions (3):

GeneDx
Classification: Pathogenic. Last evaluated: 2025-04-17. Review status: criteria provided, single submitter. Criteria: GeneDx Variant Classification Process June 2021. Collection method: clinical testing. Allele origin: germline. Affected: yes.
Comment: Nonsense variant predicted to result in protein truncation or nonsense mediated decay in a gene for which loss of function is a known mechanism of disease; Not observed at significant frequency in large population cohorts (gnomAD); This variant is associated with the following publications: (PMID: 17304050, 11112665)

Labcorp Genetics (formerly Invitae), Labcorp
Classification: Pathogenic for Tuberous sclerosis 2. Last evaluated: 2024-04-09. Review status: criteria provided, single submitter. Criteria: Invitae Variant Classification Sherloc (09022015). Collection method: clinical testing. Allele origin: germline.
Comment: This sequence change creates a premature translational stop signal (p.Tyr1033*) in the TSC2 gene. It is expected to result in an absent or disrupted protein product. Loss-of-function variants in TSC2 are known to be pathogenic (PMID: 10205261, 17304050). This variant is not present in population databases (gnomAD no frequency). This premature translational stop signal has been observed in individual(s) with tuberous sclerosis (PMID: 11112665). ClinVar contains an entry for this variant (Variation ID: 49733). For these reasons, this variant has been classified as Pathogenic.

Tuberous sclerosis database (TSC2)
No classification provided. Condition: TSC. Review status: no classification provided. Criteria: Tuberous Sclerosis Database Assertion Criteria 2015. Collection method: curation. Allele origin: germline. Affected: yes. Not counted in ClinVar's aggregate classification.

Literature cited by the submitters: PubMed 10205261 (cited by Labcorp Genetics (formerly Invitae), Labcorp); PubMed 17304050 (cited by Labcorp Genetics (formerly Invitae), Labcorp); PubMed 11112665 (cited by Labcorp Genetics (formerly Invitae), Labcorp).

NM_000548.5(TSC2):c.3098dup (p.Tyr1033Ter)

Gene: TSC2 (TSC complex subunit 2; plus strand). Cytogenetic location: 16p13.3.
Variant type: Duplication.
Coding change: c.3098dup on transcript NM_000548.5 (MANE Select); coding-DNA position 3098, one base duplicated (A; older notation c.3098dupA).
Protein change: p.Tyr1033Ter; replaces tyrosine 1033 with a stop codon.
Molecular consequence: nonsense.
Genome position (GRCh38, 1-based): chr16:2,079,163, A duplicated. VCF-style (leftmost placement, unchanged base first): chr16-2079162-T-TA. GRCh37 (hg19) VCF-style: chr16-2129163-T-TA.
Other names: c.2966dup, p.Tyr989Ter (NM_001077183.3, NM_001370404.1); c.3098dup, p.Tyr1033Ter (NM_001114382.3); c.2858dup, p.Tyr953Ter (NM_001318827.2); c.2822dup, p.Tyr941Ter (NM_001318829.2); c.2366dup, p.Tyr789Ter (NM_001318831.2); c.2999dup, p.Tyr1000Ter (NM_001318832.2); c.2969dup, p.Tyr990Ter (NM_001363528.2, NM_001370405.1, NM_021055.3); short protein forms Y1000*, Y990*, Y789*, Y953*, Y1033*, Y941*, Y989*.
Identifiers: ClinVar variation 49733 (VCV000049733.8), dbSNP rs137854015, ClinGen allele CA018510.
Genomic context (GRCh38, chr16:2,079,162, plus strand): 5'-GATAGCCTGAAAAACCTCCACCTGGAGCTCACGGAAACCTGTCTGGACATGATGGCTCGA[T>TA]ACGTCTTCTCCAACTTCACGGCTGTCCCGAAGAGGTCCAGGCGGCACTACAGGGCTGGGC-3'